The following is an entry in ClinVar:

NM_001372066.1(TFAP2A):c.1078C>T (p.Pro360Ser)

Gene: TFAP2A (transcription factor AP-2 alpha; minus strand). Cytogenetic location: 6p24.3.
Variant type: single nucleotide variant.
Coding change: c.1078C>T on transcript NM_001372066.1 (MANE Select); coding-DNA position 1078, C replaced by T.
Protein change: p.Pro360Ser; replaces proline 360 with serine.
Molecular consequence: missense variant.
Genome position (GRCh38, 1-based): chr6:10,398,659, G>A on the plus strand (C>T on the coding strand, the complement: TFAP2A is on the minus strand). VCF-style: chr6-10398659-G-A. GRCh37 (hg19) VCF-style: chr6-10398892-G-A.
Other names: NM_003220.2:c.1072C>T; c.1054C>T, p.Pro352Ser (NM_001032280.3); c.1060C>T, p.Pro354Ser (NM_001042425.3); short protein forms P352S, P354S, P360S.
Identifiers: ClinVar variation 1800989 (VCV001800989.2), dbSNP rs772807658, ClinGen allele CA3631103.
Genomic context (GRCh38, chr6:10,398,659, plus strand): 5'-GGGTCAAGCAGCTCTGGATGCCGGGCTCCAGGATGGGGTTGGGCCGTGAGTTCCCCAGGG[G>A]AGATCGGTCCTGAGCCAGCAGGTCGGTGAACTCTTTGCATATCTGTCTGCAGCACAAGTG-3'
Protein context (NP_001358995.1, residues 350-370): FTDLLAQDRS[Pro360Ser]LGNSRPNPIL

ClinVar aggregate classification (germline): Uncertain significance. Review status: criteria provided, multiple submitters, no conflicts (2 of 4 stars). 2 submissions from 2 submitters: Uncertain significance (2). Last evaluated 2025-05-02.

Allele frequency attached by ClinVar (database versions not stated): ExAC 0.00002.
gnomAD v4.1: 4 of 1,614,168 alleles (0.00025%); highest among the groups gnomAD compares: East Asian, 0.0089%; no homozygotes.

Submissions (2):

Labcorp Genetics (formerly Invitae), Labcorp
Classification: Uncertain significance. Last evaluated: 2025-05-02. Review status: criteria provided, single submitter. Criteria: Invitae Variant Classification Sherloc (09022015). Collection method: clinical testing. Allele origin: germline.
Comment: This sequence change replaces proline, which is neutral and non-polar, with serine, which is neutral and polar, at codon 358 of the TFAP2A protein (p.Pro358Ser). This variant is present in population databases (rs772807658, gnomAD 0.03%). This variant has not been reported in the literature in individuals affected with TFAP2A-related conditions. ClinVar contains an entry for this variant (Variation ID: 1800989). Invitae Evidence Modeling of protein sequence and biophysical properties (such as structural, functional, and spatial information, amino acid conservation, physicochemical variation, residue mobility, and thermodynamic stability) indicates that this missense variant is expected to disrupt TFAP2A protein function with a positive predictive value of 80%. In summary, the available evidence is currently insufficient to determine the role of this variant in disease. Therefore, it has been classified as a Variant of Uncertain Significance.

GeneDx
Classification: Uncertain significance. Last evaluated: 2022-05-20. Review status: criteria provided, single submitter. Criteria: GeneDx Variant Classification Process June 2021. Collection method: clinical testing. Allele origin: germline. Affected: yes.
Comment: In silico analysis supports that this missense variant has a deleterious effect on protein structure/function; In-silico analysis is inconclusive as to whether the variant alters gene splicing. In the absence of RNA/functional studies, the actual effect of this sequence change is unknown.; Has not been previously published as pathogenic or benign to our knowledge